The following is an entry in ClinVar:

NM_000540.3(RYR1):c.1982G>A (p.Trp661Ter)

Gene: RYR1 (ryanodine receptor 1; plus strand). Cytogenetic location: 19q13.2.
Variant type: single nucleotide variant.
Coding change: c.1982G>A on transcript NM_000540.3 (MANE Select); coding-DNA position 1982, G replaced by A.
Protein change: p.Trp661Ter; replaces tryptophan 661 with a stop codon.
Molecular consequence: nonsense.
Genome position (GRCh38, 1-based): chr19:38,458,107, G>A. VCF-style: chr19-38458107-G-A. GRCh37 (hg19) VCF-style: chr19-38948747-G-A.
Other names: c.1982G>A, p.Trp661Ter (NM_001042723.2); short protein forms W661*.
Identifiers: ClinVar variation 590493 (VCV000590493.5), dbSNP rs748492214, ClinGen allele CA308125725.

ClinVar aggregate classification (germline): Pathogenic. Review status: criteria provided, multiple submitters, no conflicts (2 of 4 stars). 2 submissions from 2 submitters: Pathogenic (2). Last evaluated 2024-01-11.

Conditions:
RYR1-related disorder. Also called: RYR1-related disorders; RYR1-related condition. Identifiers: MedGen CN239331.

Allele frequency attached by ClinVar (database versions not stated): gnomAD exomes below 0.00001.
gnomAD v4.1: 2 of 1,613,950 alleles (0.00012%); highest among the groups gnomAD compares: Non-Finnish European, 0.00017%; no homozygotes.

Submissions (2):

Labcorp Genetics (formerly Invitae), Labcorp
Classification: Pathogenic for RYR1-related disorder. Last evaluated: 2024-01-11. Review status: criteria provided, single submitter. Criteria: Invitae Variant Classification Sherloc (09022015). Collection method: clinical testing. Allele origin: germline.
Comment: This sequence change creates a premature translational stop signal (p.Trp661*) in the RYR1 gene. It is expected to result in an absent or disrupted protein product. Loss-of-function variants in RYR1 are known to be pathogenic (PMID: 23919265, 25960145, 28818389, 30611313). This variant is not present in population databases (gnomAD no frequency). This premature translational stop signal has been observed in individual(s) with clinical features of autosomal recessive congenital myopathy (PMID: 21911697, 30715496). ClinVar contains an entry for this variant (Variation ID: 590493). For these reasons, this variant has been classified as Pathogenic.

PreventionGenetics, part of Exact Sciences
Classification: Pathogenic. Last evaluated: 2018-03-28. Review status: criteria provided, single submitter. Criteria: ACMG Guidelines, 2015. Collection method: clinical testing. Allele origin: germline.

Literature cited by the submitters: PubMed 23919265 (cited by Labcorp Genetics (formerly Invitae), Labcorp); PubMed 25960145 (cited by Labcorp Genetics (formerly Invitae), Labcorp); PubMed 28818389 (cited by Labcorp Genetics (formerly Invitae), Labcorp); PubMed 30611313 (cited by Labcorp Genetics (formerly Invitae), Labcorp); PubMed 21911697 (cited by Labcorp Genetics (formerly Invitae), Labcorp); PubMed 30715496 (cited by Labcorp Genetics (formerly Invitae), Labcorp).